The following is an entry in ClinVar:

NM_000785.4(CYP27B1):c.96_97del (p.Ala33fs)

Gene: CYP27B1 (cytochrome P450 family 27 subfamily B member 1; minus strand). Cytogenetic location: 12q14.1.
Variant type: Deletion.
Coding change: c.96_97del on transcript NM_000785.4 (MANE Select); coding-DNA positions 96 to 97, 2 bases deleted (AG; older notation c.96_97delAG).
Protein change: p.Ala33fs; shifts the reading frame from alanine 33.
Molecular consequence: frameshift variant.
Genome position (GRCh38, 1-based): chr12:57,766,945-57,766,946, CT deleted on the plus strand (AG on the coding strand, the reverse complement: CYP27B1 is on the minus strand). VCF-style (leftmost placement, unchanged base first): chr12-57766944-GCT-G. GRCh37 (hg19) VCF-style: chr12-58160727-GCT-G.
Other names: short protein forms A33fs.
Identifiers: ClinVar variation 843900 (VCV000843900.8), dbSNP rs1955367513, ClinGen allele CA916083319.

ClinVar aggregate classification (germline): Pathogenic (1 of 4 stars; one submission).

Submission:

Labcorp Genetics (formerly Invitae), Labcorp
Classification: Pathogenic. Last evaluated: 2020-02-22. Review status: criteria provided, single submitter. Criteria: Invitae Variant Classification Sherloc (09022015). Collection method: clinical testing. Allele origin: germline.
Comment: For these reasons, this variant has been classified as Pathogenic. Loss-of-function variants in CYP27B1 are known to be pathogenic (PMID: 9837822, 17488797). This variant has not been reported in the literature in individuals with CYP27B1-related conditions. This variant is not present in population databases (ExAC no frequency). This sequence change creates a premature translational stop signal (p.Ala33Thrfs*299) in the CYP27B1 gene. It is expected to result in an absent or disrupted protein product.

Literature cited by the submitters: PubMed 9837822; PubMed 17488797.